The following is an entry in ClinVar:

NM_024757.5(EHMT1):c.3355G>A (p.Val1119Ile)

Gene: EHMT1 (euchromatic histone lysine methyltransferase 1; plus strand). Cytogenetic location: 9q34.3.
Variant type: single nucleotide variant.
Coding change: c.3355G>A on transcript NM_024757.5 (MANE Select); coding-DNA position 3355, G replaced by A.
Protein change: p.Val1119Ile; replaces valine 1119 with isoleucine.
Molecular consequence: missense variant.
Genome position (GRCh38, 1-based): chr9:137,816,043, G>A. VCF-style: chr9-137816043-G-A. GRCh37 (hg19) VCF-style: chr9-140710495-G-A.
Other names: c.3334G>A, p.Val1112Ile (NM_001354263.2); short protein forms V1119I, V1112I.
Identifiers: ClinVar variation 567063 (VCV000567063.23), dbSNP rs139394414, ClinGen allele CA5375267.
Genomic context (GRCh38, chr9:137,816,043, plus strand): 5'-CCTCCCTTGATCTTCGAATGCAACCACGCGTGCTCCTGCTGGAGGAACTGCCGAAATCGC[G>A]TCGTACAGAATGGTCTCAGGTGAGAGGCAGCTTCCTGCCGGAGCCCCACATTCTGCTCGT-3'
Protein context (NP_079033.4, residues 1109-1129): CSCWRNCRNR[Val1119Ile]VQNGLRARLQ

ClinVar aggregate classification (germline): Conflicting classifications of pathogenicity. Review status: criteria provided, conflicting classifications (1 of 4 stars). 5 submissions from 5 submitters: Uncertain significance (1); Benign (1); Likely benign (2). 1 of the submissions does not count toward it. Last evaluated 2026-02-03.

Conditions:
EHMT1-related disorder. Also called: EHMT1-related condition.
Kleefstra syndrome 1 (KLEFS1). Identifiers: Orphanet 261494, MedGen C0795833, MONDO:0027407, OMIM 610253.
Inborn genetic diseases. Identifiers: MedGen C0950123, MeSH D030342.

Allele frequency attached by ClinVar (database versions not stated): ExAC 0.00012; gnomAD 0.00024 and 0.00023; gnomAD exomes 0.00006 and 0.00003; 1000 Genomes Project 0.00040; ESP Exome Variant Server 0.00023; TOPMed 0.00027; 1000 Genomes Project 30x 0.00031.
gnomAD v4.1: 79 of 1,612,506 alleles (0.0049%); highest among the groups gnomAD compares: African/African-American, 0.063%; 1 homozygote.

Submissions (5):

Labcorp Genetics (formerly Invitae), Labcorp
Classification: Benign for Kleefstra syndrome 1. Last evaluated: 2026-02-03. Review status: criteria provided, single submitter. Criteria: Invitae Variant Classification Sherloc (09022015). Collection method: clinical testing. Allele origin: germline.

GeneDx
Classification: Likely benign. Last evaluated: 2021-02-01. Review status: criteria provided, single submitter. Criteria: GeneDx Variant Classification Process June 2021. Collection method: clinical testing. Allele origin: germline. Affected: yes.

New York Genome Center
Classification: Uncertain significance for Kleefstra syndrome 1. Last evaluated: 2019-12-13. Review status: criteria provided, single submitter. Criteria: NYGC Assertion Criteria 2020. Collection method: clinical testing. Allele origin: germline. Observed: 1 heterozygote. Study: CSER-NYCKidSeq.

Ambry Genetics
Classification: Likely benign for Inborn genetic diseases. Last evaluated: 2017-04-14. Review status: criteria provided, single submitter. Criteria: Ambry Variant Classification Scheme 2023. Collection method: clinical testing. Allele origin: germline.

PreventionGenetics, part of Exact Sciences
Classification: Likely benign for EHMT1-related condition. Last evaluated: 2024-04-10. Review status: no assertion criteria provided. Collection method: clinical testing. Allele origin: germline. Not counted in ClinVar's aggregate classification.
Comment: This variant is classified as likely benign based on ACMG/AMP sequence variant interpretation guidelines (Richards et al. 2015 PMID: 25741868, with internal and published modifications).